The following is an entry in ClinVar:

NM_001127208.3(TET2):c.1847C>T (p.Pro616Leu)

Genes: TET2 (tet methylcytosine dioxygenase 2; plus strand), TET2-AS1 (TET2 antisense RNA 1; minus strand). Cytogenetic location: 4q24.
Variant type: single nucleotide variant.
Coding change: c.1847C>T on transcript NM_001127208.3 (MANE Select); coding-DNA position 1847, C replaced by T.
Protein change: p.Pro616Leu; replaces proline 616 with leucine.
Molecular consequence: missense variant.
Genome position (GRCh38, 1-based): chr4:105,235,789, C>T. VCF-style: chr4-105235789-C-T. GRCh37 (hg19) VCF-style: chr4-106156946-C-T.
Other names: c.1847C>T, p.Pro616Leu (NM_017628.4); short protein forms P616L.
Identifiers: ClinVar variation 3805991 (VCV003805991.1).
Genomic context (GRCh38, chr4:105,235,789, plus strand): 5'-TCTCCAATCAAATGACCTCCAAACAATACACTGGAAATTCCAACATGCCTGGGGGGCTCC[C>T]AAGGCAAGCTTACACCCAGAAAACAACACAGCTGGAGCACAAGTCACAAATGTACCAAGT-3'
Protein context (NP_001120680.1, residues 606-626): TGNSNMPGGL[Pro616Leu]RQAYTQKTTQ

ClinVar aggregate classification (germline): Uncertain significance (1 of 4 stars; one submission).

gnomAD v4.1: 5 of 1,614,068 alleles (0.00031%); highest among the groups gnomAD compares: Non-Finnish European, 0.00042%; no homozygotes.

Submission:

Ambry Genetics
Classification: Uncertain significance. Last evaluated: 2025-01-23. Review status: criteria provided, single submitter. Criteria: Ambry Variant Classification Scheme 2023. Collection method: clinical testing. Allele origin: germline.
Comment: The p.P616L variant (also known as c.1847C>T), located in coding exon 1 of the TET2 gene, results from a C to T substitution at nucleotide position 1847. The proline at codon 616 is replaced by leucine, an amino acid with similar properties. This amino acid position is conserved. In addition, this alteration is predicted to be tolerated by in silico analysis. Based on the available evidence, the clinical significance of this variant remains unclear.